The following is an entry in ClinVar:

NM_001197104.2(KMT2A):c.9751G>T (p.Val3251Leu)

Gene: KMT2A (lysine methyltransferase 2A; plus strand). Cytogenetic location: 11q23.3.
Variant type: single nucleotide variant.
Coding change: c.9751G>T on transcript NM_001197104.2 (MANE Select); coding-DNA position 9751, G replaced by T.
Protein change: p.Val3251Leu; replaces valine 3251 with leucine.
Molecular consequence: missense variant.
Genome position (GRCh38, 1-based): chr11:118,505,643, G>T. VCF-style: chr11-118505643-G-T. GRCh37 (hg19) VCF-style: chr11-118376358-G-T.
Other names: c.9841G>T, p.Val3281Leu (NM_001412597.1); c.9742G>T, p.Val3248Leu (NM_005933.4); short protein forms V3248L, V3251L, V3281L.
Identifiers: ClinVar variation 2446618 (VCV002446618.1), dbSNP rs782171210, ClinGen allele CA382821604.

ClinVar aggregate classification (germline): Uncertain significance (1 of 4 stars; one submission).

Submission:

GeneDx
Classification: Uncertain significance. Last evaluated: 2022-09-28. Review status: criteria provided, single submitter. Criteria: GeneDx Variant Classification Process June 2021. Collection method: clinical testing. Allele origin: germline. Affected: yes.
Comment: Not observed at significant frequency in large population cohorts (gnomAD); In silico analysis supports that this missense variant does not alter protein structure/function; Has not been previously published as pathogenic or benign to our knowledge